The following is an entry in ClinVar:

ClinVar aggregate classification (germline): Benign. Review status: criteria provided, single submitter (1 of 4 stars). 2 submissions from 2 submitters: Benign (1). 1 of the submissions does not count toward it. Last evaluated 2022-08-16.

Conditions:
Familial colorectal cancer. Identifiers: MedGen CN280943, MONDO:0023113. Disease mechanism: loss of function.

Allele frequency attached by ClinVar (database versions not stated): 1000 Genomes Project 30x 0.43114; 1000 Genomes Project 0.43590; gnomAD 0.40015 and 0.38718; TOPMed 0.40449; gnomAD exomes 0.49572.
gnomAD v4.1: 414,271 of 864,816 alleles (48%); highest among the groups gnomAD compares: East Asian, 67%; 103,676 homozygotes.

Submissions (5):

ARUP Laboratories, Molecular Genetics and Genomics, ARUP Laboratories
Classification: Benign. Last evaluated: 2022-08-16. Review status: criteria provided, single submitter. Criteria: ARUP Molecular Germline Variant Investigation Process 2021. Collection method: clinical testing. Allele origin: germline.

Dr. Peter K. Rogan Lab, Western University
No classification provided (evidence only). Condition: Lung cancer. Review status: no classification provided. Collection method: in vitro. Allele origin: not applicable. Functional consequence: retained intron. Not counted in ClinVar's aggregate classification.

Dr. Peter K. Rogan Lab, Western University
No classification provided (evidence only). Condition: Uterine corpus endometrial carcinoma. Review status: no classification provided. Collection method: in vitro. Allele origin: not applicable. Functional consequence: retained intron. Not counted in ClinVar's aggregate classification.

Dr. Peter K. Rogan Lab, Western University
No classification provided (evidence only). Condition: Gastric cancer. Review status: no classification provided. Collection method: in vitro. Allele origin: not applicable. Functional consequence: retained intron. Not counted in ClinVar's aggregate classification.

Systems Biology Platform Zhejiang California International NanoSystems Institute
Classification: other for Familial colorectal cancer. Review status: no assertion criteria provided. Collection method: not provided. Allele origin: unknown. Not counted in ClinVar's aggregate classification.
ClinVar note: Converted during submission from cancer to other.

NM_000038.6(APC):c.-19+647A>G

Gene: APC (APC regulator of Wnt signaling pathway; plus strand). Cytogenetic location: 5q22.2.
Variant type: single nucleotide variant.
Coding change: c.-19+647A>G on transcript NM_000038.6 (MANE Select); 647 bases into the intron after 19 bases upstream of the start codon, A replaced by G.
Molecular consequence: intron variant.
Genome position (GRCh38, 1-based): chr5:112,738,572, A>G. VCF-style: chr5-112738572-A-G. GRCh37 (hg19) VCF-style: chr5-112074269-A-G.
Other names: c.-18-16301A>G (NM_001354895.2); c.166-27754A>G (NM_001354897.2, NM_001354902.2, NM_001127511.3); c.-19+112A>G (NM_001127510.3); c.60+112A>G (NM_001354898.2, NM_001354904.2); c.-1054+647A>G (NM_001354906.2); c.-19+647A>G (NM_001354896.2, NM_001354903.2, NM_001354899.2); c.-43+647A>G (NM_001354900.2, NM_001354901.2, NM_001354905.2).
Identifiers: ClinVar variation 82742 (VCV000082742.17), dbSNP rs2019720, ClinGen allele CA006913.